The following is an entry in ClinVar:

ClinVar aggregate classification (germline): Uncertain significance (1 of 4 stars; one submission).

Conditions:
Cornelia de Lange syndrome 4 (CDLS4). Also called: RAD21-Related Cornelia de Lange Syndrome; CORNELIA DE LANGE SYNDROME 4 WITH OR WITHOUT MIDLINE BRAIN DEFECTS. Identifiers: Orphanet 199, MedGen C3553517, MONDO:0013864, OMIM 614701.

Submission:

Labcorp Genetics (formerly Invitae), Labcorp
Classification: Uncertain significance for Cornelia de Lange syndrome 4. Last evaluated: 2023-10-22. Review status: criteria provided, single submitter. Criteria: Invitae Variant Classification Sherloc (09022015). Collection method: clinical testing. Allele origin: germline.
Comment: This sequence change replaces threonine, which is neutral and polar, with alanine, which is neutral and non-polar, at codon 291 of the RAD21 protein (p.Thr291Ala). This variant is not present in population databases (gnomAD no frequency). This variant has not been reported in the literature in individuals affected with RAD21-related conditions. Advanced modeling of protein sequence and biophysical properties (such as structural, functional, and spatial information, amino acid conservation, physicochemical variation, residue mobility, and thermodynamic stability) performed at Invitae indicates that this missense variant is not expected to disrupt RAD21 protein function. In summary, the available evidence is currently insufficient to determine the role of this variant in disease. Therefore, it has been classified as a Variant of Uncertain Significance.

NM_006265.3(RAD21):c.871A>G (p.Thr291Ala)

Gene: RAD21 (RAD21 cohesin complex component; minus strand). Cytogenetic location: 8q24.11.
Variant type: single nucleotide variant.
Coding change: c.871A>G on transcript NM_006265.3 (MANE Select); coding-DNA position 871, A replaced by G.
Protein change: p.Thr291Ala; replaces threonine 291 with alanine.
Molecular consequence: missense variant.
Genome position (GRCh38, 1-based): chr8:116,856,232, T>C on the plus strand (A>G on the coding strand, the complement: RAD21 is on the minus strand). VCF-style: chr8-116856232-T-C. GRCh37 (hg19) VCF-style: chr8-117868471-T-C.
Other names: short protein forms T291A.
Identifiers: ClinVar variation 2763704 (VCV002763704.3), dbSNP rs2130466414, ClinGen allele CA372002670.